The following is an entry in ClinVar:

ClinVar aggregate classification (germline): Conflicting classifications of pathogenicity. Review status: criteria provided, conflicting classifications (1 of 4 stars). 7 submissions from 7 submitters: Uncertain significance (5); Likely benign (2). Last evaluated 2024-09-08.

Conditions:
Hereditary cancer-predisposing syndrome. Also called: Hereditary Cancer Syndrome; Neoplastic Syndromes, Hereditary; Hereditary neoplastic syndrome; Tumor predisposition. Identifiers: Orphanet 140162, MedGen C0027672, MeSH D009386, MONDO:0015356.
Hereditary breast ovarian cancer syndrome. Also called: Hereditary breast and ovarian cancer syndrome (HBOC); Breast and ovarian cancer; Hereditary breast and ovarian cancer syndrome; Hereditary breast and ovarian cancer; BRCA1- and BRCA2-Associated Hereditary Breast and Ovarian Cancer; Hereditary breast and/or ovarian cancer syndrome. Identifiers: Orphanet 145, MedGen C0677776, MeSH D061325, MONDO:0003582. Disease mechanism: loss of function.
Breast-ovarian cancer, familial, susceptibility to, 1 (BROVCA1). Also called: BRCA1 Hereditary Breast and Ovarian Cancer; OVARIAN CANCER, SUSCEPTIBILITY TO. Identifiers: Orphanet 145, MedGen C2676676, MONDO:0011450, OMIM 604370. Disease mechanism: loss of function.

Allele frequency attached by ClinVar (database versions not stated): gnomAD exomes below 0.00001.
gnomAD v4.1: 1 of 1,614,014 alleles (0.000062%); highest among the groups gnomAD compares: Non-Finnish European, 0.000085%; no homozygotes.

Submissions (8):

Labcorp Genetics (formerly Invitae), Labcorp
Classification: Uncertain significance for Hereditary breast ovarian cancer syndrome. Last evaluated: 2024-09-08. Review status: criteria provided, single submitter. Criteria: Invitae Variant Classification Sherloc (09022015). Collection method: clinical testing. Allele origin: germline.
Comment: This sequence change replaces isoleucine, which is neutral and non-polar, with valine, which is neutral and non-polar, at codon 1766 of the BRCA1 protein (p.Ile1766Val). This variant is not present in population databases (gnomAD no frequency). This variant has not been reported in the literature in individuals affected with BRCA1-related conditions. ClinVar contains an entry for this variant (Variation ID: 265052). Invitae Evidence Modeling incorporating data from in vitro experimental studies (PMID: 30209399) indicates that this missense variant is not expected to disrupt BRCA1 function with a negative predictive value of 95%. Experimental studies have shown that this missense change does not substantially affect BRCA1 function (PMID: 30209399). This variant disrupts the p.Ile1766 amino acid residue in BRCA1. Other variant(s) that disrupt this residue have been determined to be pathogenic (PMID: 17308087, 17924331, 20737206, 21990134, 27272900). This suggests that this residue is clinically significant, and that variants that disrupt this residue are likely to be disease-causing. In summary, the available evidence is currently insufficient to determine the role of this variant in disease. Therefore, it has been classified as a Variant of Uncertain Significance.

Lupski Lab, Baylor-Hopkins CMG, Baylor College of Medicine
Classification: Likely benign for Breast-ovarian cancer, familial, susceptibility to, 1. Last evaluated: 2024-04-12. Review status: criteria provided, single submitter. Criteria: Dawood et al. (medRxiv. 2024). Collection method: curation. Allele origin: germline.
Comment: Each variant was annotated with functional scores from MAVE data which was translated into functional evidence codes. All other evidence codes and combining criteria were adhered to as closely as possible based on the ClinGen VCEP (Variant Curation Expert Panel) gene-specific recommendations. See Supplemental Figure 34 of final paper (Supp Fig. 28 in preprint: doi:10.1101/2024.04.11.24305690) for a table to see which lines of evidence we did not have data for. The ClinGen VCEPs are highly regarded as the gold-standard for gene-specific variant curation and are developed after extensive evaluation of the evidence by clinical and scientific experts for the particular gene to classify genomic variants on a spectrum from pathogenic to benign using the 2015 ACMG/AMP Variant Interpretation Guidelines as a backbone (PMID: 25741868). Reclassification of these VUS variants from gnomAD or All of Us focused only on variants originally prescribed as VUS in ClinVar. To ensure reproducibility, transparency, and increased throughput, all the procedures for annotating variants and assigning evidence codes were codified using Python. All code has been made freely available and is linked in the Code Availability section and all reclassified variants with evidence codes used can be found in Tables S18-19 (preprint: doi:10.1101/2024.04.11.24305690). For the MAVE data, the clinical curation and clinical strength assignment as per the ClinGen recommendations in Brnich et al. (2020) (PMID: 31892348) for or against pathogenicity or benignity of each of these MAVE datasets utilized in this study were previously published in Fayer et al. (2021) (PMID: 34793697).In brief, for BRCA1 variants, if a variant was categorized as FUNC (functional), it was assigned BS3 evidence and no PS3 evidence, whereas if it was categorized as LOF (loss of function), the variant was assigned PS3 evidence and no BS3 evidence. Variants categorized as INT (intermediate) were left unannotated. For the BRCA1 combining criteria, greater than or equal to 1 criteria of strong benign evidence was enough to reclassify the VUS as Likely Benign. This variant GRCh38:17:43051099:T>C was assigned evidence codes ['BS3', 'BP4'] and an overall classification of Likely benign

All of Us Research Program, National Institutes of Health
Classification: Uncertain significance for Breast-ovarian cancer, familial, susceptibility to, 1. Last evaluated: 2023-03-23. Review status: criteria provided, single submitter. Criteria: ACMG Guidelines, 2015. Collection method: clinical testing. Allele origin: germline. Inheritance: Autosomal dominant inheritance. Observed: 1 variant allele, 1 heterozygote.
Comment: This missense variant replaces isoleucine with valine at codon 1766 of the BRCA1 protein. Computational prediction suggests that this variant may not impact protein structure and function (internally defined REVEL score threshold <= 0.5, PMID: 27666373). A functional study has reported that this variant does not impact BRCA1 function in a haploid cell proliferation assay (PMID: 30209399). This variant has not been reported in individuals affected with BRCA1-related disorders in the literature. This variant has not been identified in the general population by the Genome Aggregation Database (gnomAD). The available evidence is insufficient to determine the role of this variant in disease conclusively. Therefore, this variant is classified as a Variant of Uncertain Significance.

This study involves interpretation of variants in research participants for the purpose of population health screening. Participant phenotype was not available at the time of variant classification. Additional details can be found in publication PMID: 35346344, PMCID: PMC8962531

Color Diagnostics, LLC DBA Color Health
Classification: Uncertain significance for Hereditary cancer-predisposing syndrome. Last evaluated: 2023-02-14. Review status: criteria provided, single submitter. Criteria: ACMG Guidelines, 2015. Collection method: clinical testing. Allele origin: germline.
Comment: This missense variant replaces isoleucine with valine at codon 1766 of the BRCA1 protein. Computational prediction suggests that this variant may not impact protein structure and function (internally defined REVEL score threshold <= 0.5, PMID: 27666373). A functional study has reported that this variant does not impact BRCA1 function in a haploid cell proliferation assay (PMID: 30209399). This variant has not been reported in individuals affected with BRCA1-related disorders in the literature. This variant has not been identified in the general population by the Genome Aggregation Database (gnomAD). The available evidence is insufficient to determine the role of this variant in disease conclusively. Therefore, this variant is classified as a Variant of Uncertain Significance.

Ambry Genetics
Classification: Likely benign for Hereditary cancer-predisposing syndrome. Last evaluated: 2022-02-24. Review status: criteria provided, single submitter. Criteria: Ambry Variant Classification Scheme 2023. Collection method: clinical testing. Allele origin: germline.

Women's Health and Genetics/Laboratory Corporation of America, LabCorp
Classification: Uncertain significance. Last evaluated: 2021-12-20. Review status: criteria provided, single submitter. Criteria: LabCorp Variant Classification Summary - May 2015. Collection method: clinical testing. Allele origin: germline.
Comment: Variant summary: BRCA1 c.5296A>G (p.Ile1766Val) results in a conservative amino acid change located in the BRCT domain (IPR001357) of the encoded protein sequence. Four of five in-silico tools predict a benign effect of the variant on protein function. The variant was absent in 251320 control chromosomes, however the available data on variant occurrences in the general population are insufficient to allow any conclusion about variant significance. To our knowledge, no occurrence of c.5296A>G in individuals affected with Hereditary Breast And Ovarian Cancer Syndrome has been reported. At least one publication reports experimental evidence evaluating an impact on cellular function, with results showing no damaging effect of this variant (Findlay_2018). Three ClinVar submitters have assessed this variant since 2014: all classified the variant as of uncertain significance. Based on the evidence outlined above, the variant was classified as VUS-possibly benign.

GeneDx
Classification: Uncertain significance. Last evaluated: 2016-06-27. Review status: criteria provided, single submitter. Criteria: GeneDx Variant Classification (06012015). Collection method: clinical testing. Allele origin: germline. Affected: yes.
Comment: This variant is denoted BRCA1 c.5296A>G at the cDNA level, p.Ile1766Val (I1766V) at the protein level, and results in the change of an Isoleucine to a Valine (ATC>GTC). Using alternate nomenclature, this variant would be defined as BRCA1 5415A>G. This variant has not, to our knowledge, been published in the literature as pathogenic or benign. BRCA1 Ile1766Val was not observed in approximately 6,500 individuals of European and African American ancestry in the NHLBI Exome Sequencing Project, suggesting it is not a common benign variant in these populations. Since Isoleucine and Valine share similar properties, this is considered a conservative amino acid substitution. BRCA1 Ile1766Val occurs at a position that is not conserved and is located in the BRCT 2 domain and in a region known to interact with multiple other proteins (Paul 2014, Uniprot). In silico analyses predict that this variant is unlikely to alter protein structure or function. Based on currently available evidence, it is unclear whether BRCA1 Ile1766Val is a pathogenic or benign variant. We consider it to be a variant of uncertain significance.

Brotman Baty Institute, University of Washington
No classification provided (evidence only). Condition: Breast-ovarian cancer, familial 1. Review status: no classification provided. Collection method: in vitro. Allele origin: not applicable. Functional consequence: functionally_normal. Not counted in ClinVar's aggregate classification.
ClinVar note: "not provided" was previously submitted as the classification for the variant. However, the classification appeared to be based only on an observation of functional data so it was converted to no classification on 2025-07-30.

Literature cited by the submitters: PubMed 30209399 (cited by 5 submitters); PubMed 17308087 (cited by Labcorp Genetics (formerly Invitae), Labcorp); PubMed 17924331 (cited by Labcorp Genetics (formerly Invitae), Labcorp); PubMed 20737206 (cited by Labcorp Genetics (formerly Invitae), Labcorp); PubMed 21990134 (cited by Labcorp Genetics (formerly Invitae), Labcorp); PubMed 27272900 (cited by Labcorp Genetics (formerly Invitae), Labcorp); PubMed 39142283 (cited by Lupski Lab, Baylor-Hopkins CMG, Baylor College of Medicine); PubMed 34793697 (cited by Lupski Lab, Baylor-Hopkins CMG, Baylor College of Medicine); DOI 10.1101/2024.04.11.24305690 (cited by Lupski Lab, Baylor-Hopkins CMG, Baylor College of Medicine).

NM_007294.4(BRCA1):c.5296A>G (p.Ile1766Val)

Gene: BRCA1 (BRCA1 DNA repair associated; minus strand). Cytogenetic location: 17q21.31.
Variant type: single nucleotide variant.
Coding change: c.5296A>G on transcript NM_007294.4 (MANE Select); coding-DNA position 5296, A replaced by G.
Protein change: p.Ile1766Val; replaces isoleucine 1766 with valine.
Molecular consequence: missense variant. On other transcripts: non-coding transcript variant (1).
Genome position (GRCh38, 1-based): chr17:43,051,099, T>C on the plus strand (A>G on the coding strand, the complement: BRCA1 is on the minus strand). VCF-style: chr17-43051099-T-C. GRCh37 (hg19) VCF-style: chr17-41203116-T-C.
Other names: c.5083A>G, p.Ile1695Val (NM_001407571.1, NM_001407896.1, NM_001407897.1 and 12 more transcripts); c.5362A>G, p.Ile1788Val (NM_001407581.1, NM_001407582.1); c.5359A>G, p.Ile1787Val (NM_001407583.1, NM_001407585.1, NM_001407587.1 and 1 more transcripts); c.5356A>G, p.Ile1786Val (NM_001407590.1, NM_001407591.1); c.5296A>G, p.Ile1766Val (NM_001407593.1, NM_001407594.1, NM_001407596.1 and 6 more transcripts); c.5293A>G, p.Ile1765Val (NM_001407610.1, NM_001407611.1, NM_001407612.1 and 17 more transcripts); c.5290A>G, p.Ile1764Val (NM_001407627.1, NM_001407628.1, NM_001407629.1 and 14 more transcripts); c.5287A>G, p.Ile1763Val (NM_001407644.1, NM_001407645.1); and 72 more; short protein forms I1766V, I1787V, I662V, I1719V, I1612V, I1655V, I1677V, I1696V.
Identifiers: ClinVar variation 265052 (VCV000265052.25), dbSNP rs886039314, ClinGen allele CA10588653.
Genomic context (GRCh38, chr17:43,051,099, plus strand): 5'-TCTGGGGTTCTCCCAGGCTCTTACCTGTGGGCATGTTGGTGAAGGGCCCATAGCAACAGA[T>C]TTCTAGCCCCCTGAAGATCTGGAAGAAGAGAGGAAGAGAGAGGGACAGGGGAATGGAGAG-3'
Protein context (NP_009225.1, residues 1756-1776): QDRKIFRGLE[Ile1766Val]CCYGPFTNMP